The following is an entry in ClinVar:

ClinVar aggregate classification (germline): Uncertain significance. Review status: criteria provided, multiple submitters, no conflicts (2 of 4 stars). 3 submissions from 3 submitters: Uncertain significance (3). Last evaluated 2025-10-02.

gnomAD v4.1: 4 of 1,614,122 alleles (0.00025%); highest among the groups gnomAD compares: East Asian, 0.0045%; no homozygotes.

Submissions (3):

Labcorp Genetics (formerly Invitae), Labcorp
Classification: Uncertain significance. Last evaluated: 2025-10-02. Review status: criteria provided, single submitter. Criteria: Invitae Variant Classification Sherloc (09022015). Collection method: clinical testing. Allele origin: germline.
Comment: This sequence change replaces alanine, which is neutral and non-polar, with glutamic acid, which is acidic and polar, at codon 385 of the TUBA8 protein (p.Ala385Glu). This variant is not present in population databases (gnomAD no frequency). This variant has not been reported in the literature in individuals affected with TUBA8-related conditions. ClinVar contains an entry for this variant (Variation ID: 1162871). Invitae Evidence Modeling of protein sequence and biophysical properties (such as structural, functional, and spatial information, amino acid conservation, physicochemical variation, residue mobility, and thermodynamic stability) indicates that this missense variant is expected to disrupt TUBA8 protein function with a positive predictive value of 80%. In summary, the available evidence is currently insufficient to determine the role of this variant in disease. Therefore, it has been classified as a Variant of Uncertain Significance.

Ambry Genetics
Classification: Uncertain significance. Last evaluated: 2023-08-14. Review status: criteria provided, single submitter. Criteria: Ambry Variant Classification Scheme 2023. Collection method: clinical testing. Allele origin: germline.

Mayo Clinic Laboratories, Mayo Clinic
Classification: Uncertain significance. Last evaluated: 2019-04-07. Review status: criteria provided, single submitter. Criteria: ACMG Guidelines, 2015. Collection method: clinical testing. Allele origin: germline. Observed: 1 variant allele.

NM_018943.3(TUBA8):c.1154C>A (p.Ala385Glu)

Gene: TUBA8 (tubulin alpha 8; plus strand). Cytogenetic location: 22q11.21.
Variant type: single nucleotide variant.
Coding change: c.1154C>A on transcript NM_018943.3 (MANE Select); coding-DNA position 1154, C replaced by A.
Protein change: p.Ala385Glu; replaces alanine 385 with glutamic acid.
Molecular consequence: missense variant.
Genome position (GRCh38, 1-based): chr22:18,130,940, C>A. VCF-style: chr22-18130940-C-A. GRCh37 (hg19) VCF-style: chr22-18613707-C-A.
Other names: c.956C>A, p.Ala319Glu (NM_001193414.2); short protein forms A319E, A385E.
Identifiers: ClinVar variation 1162871 (VCV001162871.9), dbSNP rs756503256, ClinGen allele CA10093854.